The following is an entry in ClinVar:

ClinVar aggregate classification (germline): Uncertain significance. Review status: criteria provided, multiple submitters, no conflicts (2 of 4 stars). 3 submissions from 3 submitters: Uncertain significance (3). Last evaluated 2025-09-16.

Conditions:
Inborn genetic diseases. Identifiers: MedGen C0950123, MeSH D030342.
KBG syndrome (KBGS). Also called: ANKRD11-Related KBG Syndrome. Identifiers: Orphanet 2332, MedGen C0220687, MONDO:0007846, OMIM 148050.

Allele frequency attached by ClinVar (database versions not stated): gnomAD exomes 0.00001.
gnomAD v4.1: 20 of 1,614,054 alleles (0.0012%); highest among the groups gnomAD compares: Middle Eastern, 0.033%; 1 homozygote.

Submissions (3):

Labcorp Genetics (formerly Invitae), Labcorp
Classification: Uncertain significance for KBG syndrome. Last evaluated: 2025-09-16. Review status: criteria provided, single submitter. Criteria: Invitae Variant Classification Sherloc (09022015). Collection method: clinical testing. Allele origin: germline.
Comment: This sequence change replaces leucine, which is neutral and non-polar, with valine, which is neutral and non-polar, at codon 673 of the ANKRD11 protein (p.Leu673Val). This variant is present in population databases (no rsID available, gnomAD 0.003%). This variant has not been reported in the literature in individuals affected with ANKRD11-related conditions. ClinVar contains an entry for this variant (Variation ID: 3252849). Invitae Evidence Modeling of protein sequence and biophysical properties (such as structural, functional, and spatial information, amino acid conservation, physicochemical variation, residue mobility, and thermodynamic stability) indicates that this missense variant is not expected to disrupt ANKRD11 protein function with a negative predictive value of 95%. In summary, the available evidence is currently insufficient to determine the role of this variant in disease. Therefore, it has been classified as a Variant of Uncertain Significance.

Ambry Genetics
Classification: Uncertain significance for Inborn genetic diseases. Last evaluated: 2025-08-11. Review status: criteria provided, single submitter. Criteria: Ambry Variant Classification Scheme 2023. Collection method: clinical testing. Allele origin: germline.

GeneDx
Classification: Uncertain significance. Last evaluated: 2024-01-12. Review status: criteria provided, single submitter. Criteria: GeneDx Variant Classification Process June 2021. Collection method: clinical testing. Allele origin: germline. Affected: yes.
Comment: Not observed at significant frequency in large population cohorts (gnomAD); In silico analysis supports that this missense variant does not alter protein structure/function; Has not been previously published as pathogenic or benign to our knowledge

NM_013275.6(ANKRD11):c.2017C>G (p.Leu673Val)

Gene: ANKRD11 (ankyrin repeat domain 11; minus strand). Cytogenetic location: 16q24.3.
Variant type: single nucleotide variant.
Coding change: c.2017C>G on transcript NM_013275.6 (MANE Select); coding-DNA position 2017, C replaced by G.
Protein change: p.Leu673Val; replaces leucine 673 with valine.
Molecular consequence: missense variant.
Genome position (GRCh38, 1-based): chr16:89,284,525, G>C on the plus strand (C>G on the coding strand, the complement: ANKRD11 is on the minus strand). VCF-style: chr16-89284525-G-C. GRCh37 (hg19) VCF-style: chr16-89350933-G-C.
Other names: c.2017C>G, p.Leu673Val (NM_001256182.2, NM_001256183.2); c.2017C>G (NM_013275.4); short protein forms L673V.
Identifiers: ClinVar variation 3252849 (VCV003252849.4), dbSNP rs1397280617.
Genomic context (GRCh38, chr16:89,284,525, plus strand): 5'-GGTCGCGATCGTGCTTTAACACTTTTAGCTTGTTTTCAGTGGAAAGATCATTCTCTAACA[G>C]TATAGCCTTATCTGACTTCTGCTTGGAGTCCTCATATTCGTAAGTAAAACTTTTCAACTT-3'
Protein context (NP_037407.4, residues 663-683): DSKQKSDKAI[Leu673Val]LENDLSTENK